The following is an entry in ClinVar:

ClinVar aggregate classification (germline): Uncertain significance (1 of 4 stars; one submission).

Allele frequency attached by ClinVar (database versions not stated): TOPMed below 0.00001; gnomAD exomes 0.00001.
gnomAD v4.1: 11 of 1,614,236 alleles (0.00068%); highest among the groups gnomAD compares: Non-Finnish European, 0.00093%; no homozygotes.

Submission:

Labcorp Genetics (formerly Invitae), Labcorp
Classification: Uncertain significance. Last evaluated: 2023-01-01. Review status: criteria provided, single submitter. Criteria: Invitae Variant Classification Sherloc (09022015). Collection method: clinical testing. Allele origin: germline.
Comment: This sequence change replaces histidine, which is basic and polar, with asparagine, which is neutral and polar, at codon 202 of the ZIC4 protein (p.His202Asn). In summary, the available evidence is currently insufficient to determine the role of this variant in disease. Therefore, it has been classified as a Variant of Uncertain Significance. Algorithms developed to predict the effect of missense changes on protein structure and function are either unavailable or do not agree on the potential impact of this missense change (SIFT: "Deleterious"; PolyPhen-2: "Benign"; Align-GVGD: "Class C65"). This variant has not been reported in the literature in individuals affected with ZIC4-related conditions. This variant is not present in population databases (gnomAD no frequency).

NM_032153.6(ZIC4):c.454C>A (p.His152Asn)

Gene: ZIC4 (Zic family zinc finger 4; minus strand). Cytogenetic location: 3q24.
Variant type: single nucleotide variant.
Coding change: c.454C>A on transcript NM_032153.6 (MANE Select); coding-DNA position 454, C replaced by A.
Protein change: p.His152Asn; replaces histidine 152 with asparagine.
Molecular consequence: missense variant. On other transcripts: intron variant (1).
Genome position (GRCh38, 1-based): chr3:147,396,086, G>T on the plus strand (C>A on the coding strand, the complement: ZIC4 is on the minus strand). VCF-style: chr3-147396086-G-T. GRCh37 (hg19) VCF-style: chr3-147113873-G-T.
Other names: c.604C>A, p.His202Asn (NM_001168378.1); c.568C>A, p.His190Asn (NM_001168379.2); c.71-4840C>A (NM_001243256.2); short protein forms H190N, H152N, H202N.
Identifiers: ClinVar variation 2824429 (VCV002824429.3), dbSNP rs1237964882, ClinGen allele CA354892444.